The following is an entry in ClinVar:

NM_000256.3(MYBPC3):c.850A>T (p.Ser284Cys)

Gene: MYBPC3 (myosin binding protein C3; minus strand). Cytogenetic location: 11p11.2.
Variant type: single nucleotide variant.
Coding change: c.850A>T on transcript NM_000256.3 (MANE Select); coding-DNA position 850, A replaced by T.
Protein change: p.Ser284Cys; replaces serine 284 with cysteine.
Molecular consequence: missense variant.
Genome position (GRCh38, 1-based): chr11:47,347,652, T>A on the plus strand (A>T on the coding strand, the complement: MYBPC3 is on the minus strand). VCF-style: chr11-47347652-T-A. GRCh37 (hg19) VCF-style: chr11-47369203-T-A.
Other names: c.850A>T, p.Ser284Cys (LRG_386t1); short protein forms S284C.
Identifiers: ClinVar variation 566285 (VCV000566285.9), dbSNP rs776075902, ClinGen allele CA380333463.
Genomic context (GRCh38, chr11:47,347,652, plus strand): 5'-CCCGTCTCAGACCCCTGGGGGTCTGCGGATGGTGCAGGTAGGGCCTGGGGCAGGGGTACC[T>A]GATCCGCCGACCACCTCCAGCCAGGCTCCTGTGGGGGTTAGACTCAGTATCCTCACCTGC-3'
Protein context (NP_000247.2, residues 274-294): TSLAGGGRRI[Ser284Cys]DSHEDTGILD

ClinVar aggregate classification (germline): Uncertain significance (1 of 4 stars; one submission).

Conditions:
Hypertrophic cardiomyopathy. Also called: HYPERTROPHIC MYOCARDIOPATHY. Identifiers: Orphanet 217569, MedGen C0007194, MeSH D002312, MONDO:0005045, HP:0001639.

Allele frequency attached by ClinVar (database versions not stated): TOPMed 0.00002.

Submission:

Labcorp Genetics (formerly Invitae), Labcorp
Classification: Uncertain significance for Hypertrophic cardiomyopathy. Last evaluated: 2022-03-03. Review status: criteria provided, single submitter. Criteria: Invitae Variant Classification Sherloc (09022015). Collection method: clinical testing. Allele origin: germline.
Comment: In summary, the available evidence is currently insufficient to determine the role of this variant in disease. Therefore, it has been classified as a Variant of Uncertain Significance. Algorithms developed to predict the effect of sequence changes on RNA splicing suggest that this variant may disrupt the consensus splice site. An algorithm developed specifically for the MYBPC3 gene suggests that this missense change is likely to be tolerated (PMID: 21310275). ClinVar contains an entry for this variant (Variation ID: 566285). This variant has not been reported in the literature in individuals affected with MYBPC3-related conditions. This variant is not present in population databases (gnomAD no frequency). This sequence change replaces serine, which is neutral and polar, with cysteine, which is neutral and slightly polar, at codon 284 of the MYBPC3 protein (p.Ser284Cys).

Literature cited by the submitters: PubMed 21310275.